The following is an entry in ClinVar:

NM_001365536.1(SCN9A):c.2190G>C (p.Trp730Cys)

Genes: SCN1A-AS1 (SCN1A and SCN9A antisense RNA 1; plus strand), SCN9A (sodium voltage-gated channel alpha subunit 9; minus strand). Cytogenetic location: 2q24.3.
Variant type: single nucleotide variant.
Coding change: c.2190G>C on transcript NM_001365536.1 (MANE Select); coding-DNA position 2190, G replaced by C.
Protein change: p.Trp730Cys; replaces tryptophan 730 with cysteine.
Molecular consequence: missense variant.
Genome position (GRCh38, 1-based): chr2:166,280,510, C>G on the plus strand (G>C on the coding strand, the complement: SCN9A is on the minus strand). VCF-style: chr2-166280510-C-G. GRCh37 (hg19) VCF-style: chr2-167137020-C-G.
Other names: c.2157G>C, p.Trp719Cys (NM_002977.4); short protein forms W719C, W730C.
Identifiers: ClinVar variation 258882 (VCV000258882.20), dbSNP rs202055175, ClinGen allele CA1944311.

ClinVar aggregate classification (germline): Benign/Likely benign. Review status: criteria provided, multiple submitters, no conflicts (2 of 4 stars). 10 submissions from 8 submitters: Benign (2); Likely benign (8). Last evaluated 2026-01-26.

Conditions:
Channelopathy-associated congenital insensitivity to pain, autosomal recessive. Also called: CONGENITAL ANALGESIA, AUTOSOMAL RECESSIVE; ASYMBOLIA FOR PAIN; Insensitivity to pain, channelopathy-associated. Identifiers: Orphanet 88642, Orphanet 970, MedGen C1855739, MONDO:0009459, OMIM 243000.
Paroxysmal extreme pain disorder (PEXPD). Also called: SCN9A Paroxysmal Extreme Pain Disorder (SCN9A-PEPD); PAIN, SUBMANDIBULAR, OCULAR, AND RECTAL, WITH FLUSHING; RECTAL PAIN, FAMILIAL. Identifiers: Orphanet 46348, MedGen C1833661, MONDO:0008179, OMIM 167400.
Primary erythromelalgia. Also called: SCN9A Erythromelalgia (SCN9A-EM); primary erythermalgia. Identifiers: Orphanet 306577, Orphanet 90026, MedGen C0014805, MONDO:0007571, OMIM 133020.
Generalized epilepsy with febrile seizures plus, type 7 (GEFSP7). Also called: GEFS+, TYPE 7. Identifiers: Orphanet 36387, MedGen C2751778, MONDO:0013470, OMIM 613863.
Neuropathy, hereditary sensory and autonomic, type 2A (HSAN2A). Also called: ACROOSTEOLYSIS, GIACCAI TYPE; ACROOSTEOLYSIS, NEUROGENIC; MORVAN DISEASE; NEUROPATHY, CONGENITAL SENSORY; NEUROPATHY, HEREDITARY SENSORY RADICULAR, AUTOSOMAL RECESSIVE; NEUROPATHY, HEREDITARY SENSORY, TYPE IIA. Identifiers: Orphanet 970, MedGen C2752089, MONDO:0024309, OMIM 201300.

Allele frequency attached by ClinVar (database versions not stated): gnomAD exomes 0.00072; ExAC 0.00180; gnomAD 0.00320 and 0.00341; 1000 Genomes Project 0.00339; TOPMed 0.00359; ESP Exome Variant Server 0.00374; 1000 Genomes Project 30x 0.00422.
gnomAD v4.1: 859 of 1,589,184 alleles (0.054%); highest among the groups gnomAD compares: African/African-American, 1%; 5 homozygotes.

Submissions (10):

Labcorp Genetics (formerly Invitae), Labcorp
Classification: Benign for Neuropathy, hereditary sensory and autonomic, type 2A; Generalized epilepsy with febrile seizures plus, type 7. Last evaluated: 2026-01-26. Review status: criteria provided, single submitter. Criteria: Invitae Variant Classification Sherloc (09022015). Collection method: clinical testing. Allele origin: germline.

Blueprint Genetics
Classification: Likely benign. Last evaluated: 2024-10-22. Review status: criteria provided, single submitter. Criteria: ACMG Guidelines, 2015. Collection method: clinical testing. Allele origin: germline.

ARUP Laboratories, Molecular Genetics and Genomics, ARUP Laboratories
Classification: Likely benign. Last evaluated: 2023-12-20. Review status: criteria provided, single submitter. Criteria: ARUP Molecular Germline Variant Investigation Process 2024. Collection method: clinical testing. Allele origin: germline.

Center for Pediatric Genomic Medicine, Children's Mercy Hospital and Clinics
Classification: Likely benign. Last evaluated: 2017-05-08. Review status: criteria provided, single submitter. Criteria: ACMG Guidelines, 2015. Collection method: clinical testing. Allele origin: germline.

Illumina Laboratory Services, Illumina
Classification: Likely benign for Primary erythromelalgia. Last evaluated: 2017-04-28. Review status: criteria provided, single submitter. Criteria: ICSL Variant Classification Criteria 13 December 2019. Collection method: clinical testing. Allele origin: germline.
Comment: This variant was observed as part of a predisposition screen in an ostensibly healthy population. A literature search was performed for the gene, cDNA change, and amino acid change (where applicable). Publications were found based on this search. The evidence from the literature, in combination with allele frequency data from public databases where available, was sufficient to determine this variant is unlikely to cause disease. Therefore, this variant is classified as likely benign.

Illumina Laboratory Services, Illumina
Classification: Likely benign for Channelopathy-associated congenital insensitivity to pain, autosomal recessive. Last evaluated: 2017-04-28. Review status: criteria provided, single submitter. Criteria: ICSL Variant Classification Criteria 13 December 2019. Collection method: clinical testing. Allele origin: germline.
Comment: This variant was observed as part of a predisposition screen in an ostensibly healthy population. A literature search was performed for the gene, cDNA change, and amino acid change (where applicable). No publications were found based on this search. Allele frequency data from public databases allowed determination this variant is unlikely to cause disease. Therefore, this variant is classified as likely benign.

Illumina Laboratory Services, Illumina
Classification: Likely benign for Paroxysmal extreme pain disorder. Last evaluated: 2017-04-28. Review status: criteria provided, single submitter. Criteria: ICSL Variant Classification Criteria 13 December 2019. Collection method: clinical testing. Allele origin: germline.
Comment: the same text as in the submission from Illumina Laboratory Services, Illumina above.

GeneDx
Classification: Likely benign. Last evaluated: 2015-05-12. Review status: criteria provided, single submitter. Criteria: GeneDx Variant Classification (06012015). Collection method: clinical testing. Allele origin: germline. Affected: yes.
Comment: This variant is considered likely benign or benign based on one or more of the following criteria: it is a conservative change, it occurs at a poorly conserved position in the protein, it is predicted to be benign by multiple in silico algorithms, and/or has population frequency not consistent with disease.

Breakthrough Genomics
Classification: Likely benign. Review status: criteria provided, single submitter. Criteria: ACMG Guidelines, 2015. Collection method: not provided. Allele origin: germline. Inheritance: Autosomal recessive inheritance. Affected: yes.

PreventionGenetics, part of Exact Sciences
Classification: Benign. Review status: criteria provided, single submitter. Criteria: ACMG Guidelines, 2015. Collection method: clinical testing. Allele origin: germline.

Literature cited by the submitters: PubMed 25250524 (cited by Illumina Laboratory Services, Illumina).